The following is an entry in ClinVar:

NM_001669.4(ARSD):c.527T>A (p.Met176Lys)

Gene: ARSD (arylsulfatase D; minus strand). Cytogenetic location: Xp22.33.
Variant type: single nucleotide variant.
Coding change: c.527T>A on transcript NM_001669.4 (MANE Select); coding-DNA position 527, T replaced by A.
Protein change: p.Met176Lys; replaces methionine 176 with lysine.
Molecular consequence: missense variant.
Genome position (GRCh38, 1-based): chrX:2,918,140, A>T on the plus strand (T>A on the coding strand, the complement: ARSD is on the minus strand). VCF-style: chrX-2918140-A-T. GRCh37 (hg19) VCF-style: chrX-2836181-A-T.
Other names: c.527T>A, p.Met176Lys (NM_009589.5); short protein forms M176K.
Identifiers: ClinVar variation 3059922 (VCV003059922.2), dbSNP rs73632975, ClinGen allele CA10337807.

ClinVar aggregate classification (germline): Likely benign (0 of 4 stars; one submission).

Conditions:
ARSD-related disorder. Also called: ARSD-related condition.

Allele frequency attached by ClinVar (database versions not stated): gnomAD 0.00001; TOPMed 0.00002; gnomAD exomes 0.00004; ExAC 0.04375.

Submission:

PreventionGenetics, part of Exact Sciences
Classification: Likely benign for ARSD-related condition. Last evaluated: 2020-07-31. Review status: no assertion criteria provided. Collection method: clinical testing. Allele origin: germline.
Comment: This variant is classified as likely benign based on ACMG/AMP sequence variant interpretation guidelines (Richards et al. 2015 PMID: 25741868, with internal and published modifications).